The following is an entry in ClinVar:

ClinVar aggregate classification (germline): Benign. Review status: criteria provided, multiple submitters, no conflicts (2 of 4 stars). 2 submissions from 2 submitters: Benign (2). Last evaluated 2018-01-12.

Conditions:
Nail-patella syndrome (NPS). Also called: FONG DISEASE; ONYCHOOSTEODYSPLASIA; TURNER-KIESER SYNDROME. Identifiers: Orphanet 2614, MedGen C0027341, MONDO:0008061, OMIM 161200.

Allele frequency attached by ClinVar (database versions not stated): 1000 Genomes Project 30x 0.07417; 1000 Genomes Project 0.07448; gnomAD exomes 0.12195; TOPMed 0.12794; gnomAD 0.13902 and 0.14051.
gnomAD v4.1: 21,084 of 152,402 alleles (14%); highest among the groups gnomAD compares: Non-Finnish European, 21%; 1,903 homozygotes.

Submissions (2):

Illumina Laboratory Services, Illumina
Classification: Benign for Nail-patella syndrome. Last evaluated: 2018-01-12. Review status: criteria provided, single submitter. Criteria: ICSL Variant Classification Criteria 13 December 2019. Collection method: clinical testing. Allele origin: germline.
Comment: This variant was observed in the ICSL laboratory as part of a predisposition screen in an ostensibly healthy population. It had not been previously curated by ICSL or reported in the Human Gene Mutation Database (HGMD: prior to June 1st, 2018), and was therefore a candidate for classification through an automated scoring system. Utilizing variant allele frequency, disease prevalence and penetrance estimates, and inheritance mode, an automated score was calculated to assess if this variant is too frequent to cause the disease. Based on the score and internal cut-off values, a variant classified as benign is not then subjected to further curation. The score for this variant resulted in a classification of benign for this disease.

Breakthrough Genomics
Classification: Benign. Review status: criteria provided, single submitter. Criteria: ACMG Guidelines, 2015. Collection method: not provided. Allele origin: germline. Inheritance: Autosomal dominant inheritance. Affected: yes.

NM_001174147.2(LMX1B):c.*898C>T

Gene: LMX1B (LIM homeobox transcription factor 1 beta; plus strand). Cytogenetic location: 9q33.3.
Variant type: single nucleotide variant.
Coding change: c.*898C>T on transcript NM_001174147.2 (MANE Select); 898 bases downstream of the stop codon, C replaced by T.
Molecular consequence: 3 prime UTR variant.
Genome position (GRCh38, 1-based): chr9:126,697,349, C>T. VCF-style: chr9-126697349-C-T. GRCh37 (hg19) VCF-style: chr9-129459628-C-T.
Other names: c.*898C>T (NM_001174146.2, NM_002316.4).
Identifiers: ClinVar variation 364914 (VCV000364914.6), dbSNP rs10760450, ClinGen allele CA10632276.